The following is an entry in ClinVar:

ClinVar aggregate classification (germline): Uncertain significance. Review status: criteria provided, multiple submitters, no conflicts (2 of 4 stars). 2 submissions from 2 submitters: Uncertain significance (2). Last evaluated 2025-04-17.

Conditions:
Catecholaminergic polymorphic ventricular tachycardia 1. Also called: RYR2-Related Catecholaminergic Polymorphic Ventricular Tachycardia; VENTRICULAR TACHYCARDIA, STRESS-INDUCED POLYMORPHIC 1; VENTRICULAR TACHYCARDIA, CATECHOLAMINERGIC POLYMORPHIC, 1, WITH OR WITHOUT ATRIAL DYSFUNCTION AND/OR DILATED CARDIOMYOPATHY. Identifiers: Orphanet 3286, MedGen C1631597, MONDO:0011484, OMIM 604772.

Submissions (2):

GeneDx
Classification: Uncertain significance. Last evaluated: 2025-04-17. Review status: criteria provided, single submitter. Criteria: GeneDx Variant Classification Process June 2021. Collection method: clinical testing. Allele origin: germline. Affected: yes.

Labcorp Genetics (formerly Invitae), Labcorp
Classification: Uncertain significance for Catecholaminergic polymorphic ventricular tachycardia 1. Last evaluated: 2024-10-01. Review status: criteria provided, single submitter. Criteria: Invitae Variant Classification Sherloc (09022015). Collection method: clinical testing. Allele origin: germline.
Comment: This sequence change replaces arginine, which is basic and polar, with serine, which is neutral and polar, at codon 1154 of the RYR2 protein (p.Arg1154Ser). This variant is not present in population databases (gnomAD no frequency). This variant has not been reported in the literature in individuals affected with RYR2-related conditions. ClinVar contains an entry for this variant (Variation ID: 1510227). Invitae Evidence Modeling of protein sequence and biophysical properties (such as structural, functional, and spatial information, amino acid conservation, physicochemical variation, residue mobility, and thermodynamic stability) indicates that this missense variant is not expected to disrupt RYR2 protein function with a negative predictive value of 95%. In summary, the available evidence is currently insufficient to determine the role of this variant in disease. Therefore, it has been classified as a Variant of Uncertain Significance.

NM_001035.3(RYR2):c.3460C>A (p.Arg1154Ser)

Gene: RYR2 (ryanodine receptor 2; plus strand). Cytogenetic location: 1q43.
Variant type: single nucleotide variant.
Coding change: c.3460C>A on transcript NM_001035.3 (MANE Select); coding-DNA position 3460, C replaced by A.
Protein change: p.Arg1154Ser; replaces arginine 1154 with serine.
Molecular consequence: missense variant.
Genome position (GRCh38, 1-based): chr1:237,569,181, C>A. VCF-style: chr1-237569181-C-A. GRCh37 (hg19) VCF-style: chr1-237732481-C-A.
Other names: c.3460C>A (NM_001035.2); short protein forms R1154S.
Identifiers: ClinVar variation 1510227 (VCV001510227.8), dbSNP rs765617616, ClinGen allele CA345389961.